The following is an entry in ClinVar:

ClinVar aggregate classification (germline): Likely benign. Review status: criteria provided, multiple submitters, no conflicts (2 of 4 stars). 3 submissions from 3 submitters: Likely benign (2). 1 of the submissions does not count toward it. Last evaluated 2026-06-26.

Conditions:
PCDH15-related disorder. Also called: PCDH15-related disorders; PCDH15-related condition.
Usher syndrome type 1F (USH1F). Also called: USHER SYNDROME, TYPE IF. Identifiers: Orphanet 231169, Orphanet 886, MedGen C1865885, MONDO:0011186, OMIM 602083.

Allele frequency attached by ClinVar (database versions not stated): gnomAD below 0.00001 and 0.00001; gnomAD exomes 0.00001 and 0.00002; TOPMed 0.00002; ExAC 0.00002.
gnomAD v4.1: 9 of 1,613,702 alleles (0.00056%); highest among the groups gnomAD compares: East Asian, 0.0067%; no homozygotes.

Submissions (3):

PreventionGenetics, part of Exact Sciences
Classification: Likely benign for PCDH15-related condition. Last evaluated: 2026-06-26. Review status: criteria provided, single submitter. Criteria: ACMG Guidelines, 2015. Collection method: clinical testing. Allele origin: germline.
Comment: This variant is classified as likely benign based on ACMG/AMP sequence variant interpretation guidelines (Richards et al. 2015 PMID: 25741868, with internal and published modifications).

Labcorp Genetics (formerly Invitae), Labcorp
Classification: Likely benign. Last evaluated: 2024-01-02. Review status: criteria provided, single submitter. Criteria: Invitae Variant Classification Sherloc (09022015). Collection method: clinical testing. Allele origin: germline.

Natera, Inc.
Classification: Uncertain significance for Usher syndrome type 1F. Last evaluated: 2020-02-13. Review status: no assertion criteria provided. Collection method: clinical testing. Allele origin: germline. Not counted in ClinVar's aggregate classification.

NM_033056.4(PCDH15):c.5547G>A (p.Thr1849=)

Gene: PCDH15 (protocadherin related 15; minus strand). Cytogenetic location: 10q21.1.
Variant type: single nucleotide variant.
Coding change: c.5547G>A on transcript NM_033056.4 (MANE Plus Clinical); coding-DNA position 5547, G replaced by A.
Protein change: p.Thr1849=; no amino-acid change (threonine 1849 retained).
Molecular consequence: synonymous variant. On other transcripts: intron variant (8).
Genome position (GRCh38, 1-based): chr10:53,822,179, C>T on the plus strand (G>A on the coding strand, the complement: PCDH15 is on the minus strand). VCF-style: chr10-53822179-C-T. GRCh37 (hg19) VCF-style: chr10-55581939-C-T.
Other names: c.5568G>A, p.Thr1856= (NM_001142763.2); c.5553G>A, p.Thr1851= (NM_001142764.2); c.5340G>A, p.Thr1780= (NM_001142765.2); c.5538G>A, p.Thr1846= (NM_001142766.2); c.5427G>A, p.Thr1809= (NM_001142767.2); c.5487G>A, p.Thr1829= (NM_001142768.2); c.5478G>A, p.Thr1826= (NM_001142773.2); c.5481G>A, p.Thr1827= (NM_001354404.2); and 7 more.
Identifiers: ClinVar variation 793233 (VCV000793233.12), dbSNP rs767304005, ClinGen allele CA5505013.